The following is an entry in ClinVar:

ClinVar aggregate classification (germline): Uncertain significance (1 of 4 stars; one submission).

Conditions:
Hereditary cancer-predisposing syndrome. Also called: Neoplastic Syndromes, Hereditary; Hereditary neoplastic syndrome; Tumor predisposition; Hereditary Cancer Syndrome. Identifiers: Orphanet 140162, MedGen C0027672, MeSH D009386, MONDO:0015356.

Submission:

Ambry Genetics
Classification: Uncertain significance for Hereditary cancer-predisposing syndrome. Last evaluated: 2022-12-20. Review status: criteria provided, single submitter. Criteria: Ambry Variant Classification Scheme 2023. Collection method: clinical testing. Allele origin: germline.
Comment: The p.G568V variant (also known as c.1703G>T), located in coding exon 8 of the BARD1 gene, results from a G to T substitution at nucleotide position 1703. The glycine at codon 568 is replaced by valine, an amino acid with dissimilar properties. This amino acid position is well conserved in available vertebrate species. In addition, the in silico prediction for this alteration is inconclusive. Since supporting evidence is limited at this time, the clinical significance of this alteration remains unclear.

NM_000465.4(BARD1):c.1703G>T (p.Gly568Val)

Gene: BARD1 (BRCA1 associated RING domain 1; minus strand). Cytogenetic location: 2q35.
Variant type: single nucleotide variant.
Coding change: c.1703G>T on transcript NM_000465.4 (MANE Select); coding-DNA position 1703, G replaced by T.
Protein change: p.Gly568Val; replaces glycine 568 with valine.
Molecular consequence: missense variant. On other transcripts: non-coding transcript variant (3), intron variant (1).
Genome position (GRCh38, 1-based): chr2:214,745,829, C>A on the plus strand (G>T on the coding strand, the complement: BARD1 is on the minus strand). VCF-style: chr2-214745829-C-A. GRCh37 (hg19) VCF-style: chr2-215610553-C-A.
Other names: c.1646G>T, p.Gly549Val (NM_001282543.2); c.350G>T, p.Gly117Val (NM_001282545.2); c.293G>T, p.Gly98Val (NM_001282548.2); c.365-15321G>T (NM_001282549.2); short protein forms G568V, G117V, G549V, G98V.
Identifiers: ClinVar variation 2497607 (VCV002497607.2), dbSNP rs1007761710, ClinGen allele CA350453247.